The following is an entry in ClinVar:

NM_000179.3(MSH6):c.1328dup (p.Val444fs)

Gene: MSH6 (mutS homolog 6; plus strand). Cytogenetic location: 2p16.3.
Variant type: Duplication.
Coding change: c.1328dup on transcript NM_000179.3 (MANE Select); coding-DNA position 1328, one base duplicated (G; older notation c.1328dupG).
Protein change: p.Val444fs; shifts the reading frame from valine 444.
Molecular consequence: frameshift variant.
Genome position (GRCh38, 1-based): chr2:47,799,311, G duplicated; the last of 2 consecutive G bases (chr2:47,799,310-47,799,311); duplicating either gives the same sequence. VCF-style (leftmost placement, unchanged base first): chr2-47799309-T-TG. GRCh37 (hg19) VCF-style: chr2-48026448-T-TG.
Other names: c.1328dupG (NM_000179.2); c.938dup, p.Val314fs (NM_001281492.2); c.422dup, p.Val142fs (NM_001281493.2, NM_001281494.2); short protein forms V142fs, V314fs, V444fs.
Identifiers: ClinVar variation 455132 (VCV000455132.9), dbSNP rs1553412755, ClinGen allele CA658655749.

ClinVar aggregate classification (germline): Pathogenic (1 of 4 stars; one submission).

Conditions:
Hereditary nonpolyposis colorectal neoplasms. Identifiers: MedGen C0009405, MeSH D003123.

Submission:

Labcorp Genetics (formerly Invitae), Labcorp
Classification: Pathogenic for Hereditary nonpolyposis colorectal neoplasms. Last evaluated: 2017-08-12. Review status: criteria provided, single submitter. Criteria: Invitae Variant Classification Sherloc (09022015). Collection method: clinical testing. Allele origin: germline.
Comment: For these reasons, this variant has been classified as Pathogenic. While this particular variant has not been reported in the literature, loss-of-function variants in MSH6 are known to be pathogenic (PMID: 24362816, 18269114). This sequence change inserts 1 nucleotide in exon 4 of the MSH6 mRNA (c.1328dupG), causing a frameshift at codon 444. This creates a premature translational stop signal (p.Val444Serfs*3) and is expected to result in an absent or disrupted protein product.

Literature cited by the submitters: PubMed 24362816; PubMed 18269114.